The following is an entry in ClinVar:

NM_001330260.2(SCN8A):c.811C>T (p.Gln271Ter)

Gene: SCN8A (sodium voltage-gated channel alpha subunit 8; plus strand). Cytogenetic location: 12q13.13.
Variant type: single nucleotide variant.
Coding change: c.811C>T on transcript NM_001330260.2 (MANE Select); coding-DNA position 811, C replaced by T.
Protein change: p.Gln271Ter; replaces glutamine 271 with a stop codon.
Molecular consequence: nonsense.
Genome position (GRCh38, 1-based): chr12:51,699,674, C>T. VCF-style: chr12-51699674-C-T. GRCh37 (hg19) VCF-style: chr12-52093458-C-T.
Other names: c.811C>T, p.Gln271Ter (NM_001177984.3, NM_001369788.1, NM_014191.4); short protein forms Q271*.
Identifiers: ClinVar variation 2499295 (VCV002499295.1), dbSNP rs2540172917, ClinGen allele CA385226570.

ClinVar aggregate classification (germline): Pathogenic (1 of 4 stars; one submission).

Submission:

GeneDx
Classification: Pathogenic. Last evaluated: 2023-04-14. Review status: criteria provided, single submitter. Criteria: GeneDx Variant Classification Process June 2021. Collection method: clinical testing. Allele origin: germline. Affected: yes.
Comment: Nonsense variant predicted to result in protein truncation or nonsense mediated decay in a gene for which loss of function is a known mechanism of disease; Not observed at significant frequency in large population cohorts (gnomAD); Has not been previously published as pathogenic or benign to our knowledge